The following is an entry in ClinVar:

ClinVar aggregate classification (germline): Uncertain significance. Review status: criteria provided, multiple submitters, no conflicts (2 of 4 stars). 2 submissions from 2 submitters: Uncertain significance (2). Last evaluated 2023-08-21.

Conditions:
Inborn genetic diseases. Identifiers: MedGen C0950123, MeSH D030342.

Allele frequency attached by ClinVar (database versions not stated): gnomAD exomes below 0.00001; ExAC 0.00001; TOPMed 0.00002; gnomAD 0.00003.
gnomAD v4.1: 9 of 1,614,036 alleles (0.00056%); highest among the groups gnomAD compares: African/African-American, 0.0093%; no homozygotes.

Submissions (2):

Ambry Genetics
Classification: Uncertain significance for Inborn genetic diseases. Last evaluated: 2023-08-21. Review status: criteria provided, single submitter. Criteria: Ambry Variant Classification Scheme 2023. Collection method: clinical testing. Allele origin: germline.

Mayo Clinic Laboratories, Mayo Clinic
Classification: Uncertain significance. Last evaluated: 2022-06-28. Review status: criteria provided, single submitter. Criteria: ACMG Guidelines, 2015. Collection method: clinical testing. Allele origin: germline. Observed: 1 variant allele.
Comment: PM2

NM_003383.5(VLDLR):c.2029G>C (p.Glu677Gln)

Gene: VLDLR (very low density lipoprotein receptor; plus strand). Cytogenetic location: 9p24.2.
Variant type: single nucleotide variant.
Coding change: c.2029G>C on transcript NM_003383.5 (MANE Select); coding-DNA position 2029, G replaced by C.
Protein change: p.Glu677Gln; replaces glutamic acid 677 with glutamine.
Molecular consequence: missense variant.
Genome position (GRCh38, 1-based): chr9:2,648,735, G>C. VCF-style: chr9-2648735-G-C. GRCh37 (hg19) VCF-style: chr9-2648735-G-C.
Other names: p.Glu677Gln; c.2029G>C, p.Glu677Gln (NM_001018056.3); c.1906G>C, p.Glu636Gln (NM_001322225.2, NM_001322226.2); short protein forms E636Q, E677Q.
Identifiers: ClinVar variation 2620574 (VCV002620574.3), dbSNP rs767037080, ClinGen allele CA4965039.